The following is an entry in ClinVar:

ClinVar aggregate classification (germline): Likely benign. Review status: criteria provided, single submitter (1 of 4 stars). 2 submissions from 2 submitters: Likely benign (1). 1 of the submissions does not count toward it. Last evaluated 2025-06-12.

Conditions:
OPLAH-related disorder. Also called: OPLAH-related condition.
5-Oxoprolinase deficiency (OPLAHD). Also called: 5-OXOPROLINURIA DUE TO 5-OXOPROLINASE DEFICIENCY. Identifiers: Orphanet 33572, MedGen C0268525, MONDO:0009825, OMIM 260005, HP:0040142.

Allele frequency attached by ClinVar (database versions not stated): gnomAD 0.00050; gnomAD exomes 0.00003; ExAC 0.00013; 1000 Genomes Project 30x 0.00047; ESP Exome Variant Server 0.00024; 1000 Genomes Project 0.00040; TOPMed 0.00066.

Submissions (2):

Labcorp Genetics (formerly Invitae), Labcorp
Classification: Likely benign for 5-Oxoprolinase deficiency. Last evaluated: 2025-06-12. Review status: criteria provided, single submitter. Criteria: Invitae Variant Classification Sherloc (09022015). Collection method: clinical testing. Allele origin: germline.

PreventionGenetics, part of Exact Sciences
Classification: Likely benign for OPLAH-related condition. Last evaluated: 2019-02-18. Review status: no assertion criteria provided. Collection method: clinical testing. Allele origin: germline. Not counted in ClinVar's aggregate classification.
Comment: This variant is classified as likely benign based on ACMG/AMP sequence variant interpretation guidelines (Richards et al. 2015 PMID: 25741868, with internal and published modifications).

NM_017570.5(OPLAH):c.3117G>T (p.Leu1039=)

Gene: OPLAH (5-oxoprolinase, ATP-hydrolysing; minus strand). Cytogenetic location: 8q24.3.
Variant type: single nucleotide variant.
Coding change: c.3117G>T on transcript NM_017570.5 (MANE Select); coding-DNA position 3117, G replaced by T.
Protein change: p.Leu1039=; no amino-acid change (leucine 1039 retained).
Molecular consequence: synonymous variant.
Genome position (GRCh38, 1-based): chr8:144,052,802, C>A on the plus strand (G>T on the coding strand, the complement: OPLAH is on the minus strand). VCF-style: chr8-144052802-C-A. GRCh37 (hg19) VCF-style: chr8-145107705-C-A.
Other names: c.3117G>T (NM_017570.4).
Identifiers: ClinVar variation 2735850 (VCV002735850.5), dbSNP rs191777983, ClinGen allele CA4931223.